The following is an entry in ClinVar:

NM_000392.5(ABCC2):c.2293C>T (p.Gln765Ter)

Gene: ABCC2 (ATP binding cassette subfamily C member 2; plus strand). Cytogenetic location: 10q24.2.
Variant type: single nucleotide variant.
Coding change: c.2293C>T on transcript NM_000392.5 (MANE Select); coding-DNA position 2293, C replaced by T.
Protein change: p.Gln765Ter; replaces glutamine 765 with a stop codon.
Molecular consequence: nonsense.
Genome position (GRCh38, 1-based): chr10:99,818,811, C>T. VCF-style: chr10-99818811-C-T. GRCh37 (hg19) VCF-style: chr10-101578568-C-T.
Other names: short protein forms Q765*.
Identifiers: ClinVar variation 2795278 (VCV002795278.3), dbSNP rs2038470723, ClinGen allele CA378117598.

ClinVar aggregate classification (germline): Pathogenic (1 of 4 stars; one submission).

Allele frequency attached by ClinVar (database versions not stated): TOPMed below 0.00001; gnomAD 0.00001.
gnomAD v4.1: 1 of 1,613,976 alleles (0.000062%); highest among the groups gnomAD compares: African/African-American, 0.0013%; no homozygotes.

Submission:

Labcorp Genetics (formerly Invitae), Labcorp
Classification: Pathogenic. Last evaluated: 2023-06-15. Review status: criteria provided, single submitter. Criteria: Invitae Variant Classification Sherloc (09022015). Collection method: clinical testing. Allele origin: germline.
Comment: For these reasons, this variant has been classified as Pathogenic. Algorithms developed to predict the effect of sequence changes on RNA splicing suggest that this variant may disrupt the consensus splice site. This variant has not been reported in the literature in individuals affected with ABCC2-related conditions. This variant is not present in population databases (gnomAD no frequency). This sequence change creates a premature translational stop signal (p.Gln765*) in the ABCC2 gene. It is expected to result in an absent or disrupted protein product. Loss-of-function variants in ABCC2 are known to be pathogenic (PMID: 9185779, 16549534, 16952291).

Literature cited by the submitters: PubMed 9185779; PubMed 16549534; PubMed 16952291.